The following is an entry in ClinVar:

NM_006206.6(PDGFRA):c.2351A>T (p.Asp784Val)

Gene: PDGFRA (platelet derived growth factor receptor alpha; plus strand). Cytogenetic location: 4q12.
Variant type: single nucleotide variant.
Coding change: c.2351A>T on transcript NM_006206.6 (MANE Select); coding-DNA position 2351, A replaced by T.
Protein change: p.Asp784Val; replaces aspartic acid 784 with valine.
Molecular consequence: missense variant.
Genome position (GRCh38, 1-based): chr4:54,285,398, A>T. VCF-style: chr4-54285398-A-T. GRCh37 (hg19) VCF-style: chr4-55151565-A-T.
Other names: c.2426A>T, p.Asp809Val (NM_001347828.2); c.2351A>T, p.Asp784Val (NM_001347829.2); c.2390A>T, p.Asp797Val (NM_001347830.2); short protein forms D784V, D809V, D797V.
Identifiers: ClinVar variation 1523965 (VCV001523965.6), dbSNP rs900860957, ClinGen allele CA356894635.
Genomic context (GRCh38, chr4:54,285,398, plus strand): 5'-CCAGCACCAATACATTTAATTTCTTTTCTGCAGACTCAGAAGTCAAAAACCTCCTTTCAG[A>T]TGATAACTCAGAAGGCCTTACTTTATTGGATTTGTTGAGCTTCACCTATCAAGTTGCCCG-3'
Protein context (NP_006197.1, residues 774-794): LDSEVKNLLS[Asp784Val]DNSEGLTLLD

ClinVar aggregate classification (germline): Uncertain significance (1 of 4 stars; one submission).

Conditions:
Gastrointestinal stromal tumor. Also called: Gastrointestinal stromal tumor, somatic; Gastrointestinal stroma tumor. Identifiers: Orphanet 44890, MedGen C0238198, MeSH D046152, MONDO:0011719, OMIM 606764, HP:0100723.

gnomAD v4.1: 1 of 1,523,718 alleles (0.000066%); no homozygotes.

Submission:

Labcorp Genetics (formerly Invitae), Labcorp
Classification: Uncertain significance for Gastrointestinal stromal tumor. Last evaluated: 2024-04-30. Review status: criteria provided, single submitter. Criteria: Invitae Variant Classification Sherloc (09022015). Collection method: clinical testing. Allele origin: germline.
Comment: This sequence change replaces aspartic acid, which is acidic and polar, with valine, which is neutral and non-polar, at codon 784 of the PDGFRA protein (p.Asp784Val). This variant is not present in population databases (gnomAD no frequency). This variant has not been reported in the literature in individuals affected with PDGFRA-related conditions. ClinVar contains an entry for this variant (Variation ID: 1523965). Advanced modeling of protein sequence and biophysical properties (such as structural, functional, and spatial information, amino acid conservation, physicochemical variation, residue mobility, and thermodynamic stability) performed at Invitae indicates that this missense variant is not expected to disrupt PDGFRA protein function with a negative predictive value of 80%. In summary, the available evidence is currently insufficient to determine the role of this variant in disease. Therefore, it has been classified as a Variant of Uncertain Significance.